The following is an entry in ClinVar:

NM_004304.5(ALK):c.972C>A (p.Asn324Lys)

Gene: ALK (ALK receptor tyrosine kinase; minus strand). Cytogenetic location: 2p23.2.
Variant type: single nucleotide variant.
Coding change: c.972C>A on transcript NM_004304.5 (MANE Select); coding-DNA position 972, C replaced by A.
Protein change: p.Asn324Lys; replaces asparagine 324 with lysine.
Molecular consequence: missense variant.
Genome position (GRCh38, 1-based): chr2:29,532,097, G>T on the plus strand (C>A on the coding strand, the complement: ALK is on the minus strand). VCF-style: chr2-29532097-G-T. GRCh37 (hg19) VCF-style: chr2-29754963-G-T.
Other names: short protein forms N324K.
Identifiers: ClinVar variation 3285936 (VCV003285936.1).

ClinVar aggregate classification (germline): Uncertain significance (1 of 4 stars; one submission).

Conditions:
Hereditary cancer-predisposing syndrome. Also called: Tumor predisposition; Hereditary Cancer Syndrome; Hereditary neoplastic syndrome; Neoplastic Syndromes, Hereditary. Identifiers: Orphanet 140162, MedGen C0027672, MeSH D009386, MONDO:0015356.

Submission:

Ambry Genetics
Classification: Uncertain significance for Hereditary cancer-predisposing syndrome. Last evaluated: 2024-04-17. Review status: criteria provided, single submitter. Criteria: Ambry Variant Classification Scheme 2023. Collection method: clinical testing. Allele origin: germline.
Comment: The p.N324K variant (also known as c.972C>A), located in coding exon 4 of the ALK gene, results from a C to A substitution at nucleotide position 972. The asparagine at codon 324 is replaced by lysine, an amino acid with similar properties. This amino acid position is conserved. In addition, this alteration is predicted to be tolerated by in silico analysis. Based on the available evidence, the clinical significance of this variant remains unclear.